The following is an entry in ClinVar:

ClinVar aggregate classification (germline): Uncertain significance. Review status: criteria provided, single submitter (1 of 4 stars). 3 submissions from 3 submitters: Uncertain significance (1). 2 of the submissions do not count toward it. Last evaluated 2024-02-28.

Conditions:
Dyskeratosis congenita, autosomal dominant 2. Identifiers: MedGen C3151443, MONDO:0013521, OMIM 613989.
Idiopathic Pulmonary Fibrosis. Also called: Idiopathic fibrosing alveolitis, chronic form; idiopathic fibrosing alveolitis. Identifiers: Orphanet 2032, MedGen C1800706, MeSH D054990, MONDO:0800504.
Pulmonary fibrosis and/or bone marrow failure, Telomere-related, 1. Also called: PULMONARY FIBROSIS AND/OR BONE MARROW FAILURE SYNDROME, TELOMERE-RELATED, 1. Identifiers: Orphanet 88, MedGen C3553617, MONDO:0013878, OMIM 614742.
Aplastic anemia. Identifiers: Orphanet 182040, Orphanet 88, MedGen C0002874, MONDO:0015909, OMIM 609135, HP:0001915.

Submissions (3):

Labcorp Genetics (formerly Invitae), Labcorp
Classification: Uncertain significance for Dyskeratosis congenita, autosomal dominant 2; Idiopathic Pulmonary Fibrosis. Last evaluated: 2024-02-28. Review status: criteria provided, single submitter. Criteria: Invitae Variant Classification Sherloc (09022015). Collection method: clinical testing. Allele origin: germline.
Comment: This sequence change replaces tyrosine, which is neutral and polar, with cysteine, which is neutral and slightly polar, at codon 772 of the TERT protein (p.Tyr772Cys). This variant is not present in population databases (gnomAD no frequency). This missense change has been observed in individual(s) with clinical features of TERT-related conditions and/or idiopathic pulmonary fibrosis (PMID: 15814878; Invitae). ClinVar contains an entry for this variant (Variation ID: 12732). Advanced modeling of protein sequence and biophysical properties (such as structural, functional, and spatial information, amino acid conservation, physicochemical variation, residue mobility, and thermodynamic stability) performed at Invitae indicates that this missense variant is expected to disrupt TERT protein function with a positive predictive value of 95%. Experimental studies have shown that this missense change affects TERT function (PMID: 15814878, 23901009). In summary, the available evidence is currently insufficient to determine the role of this variant in disease. Therefore, it has been classified as a Variant of Uncertain Significance.

OMIM
Classification: Pathogenic for PULMONARY FIBROSIS AND/OR BONE MARROW FAILURE SYNDROME, TELOMERE-RELATED, 1. Last evaluated: 2005-04-07. Review status: no assertion criteria provided. Collection method: literature only. Allele origin: germline. Not counted in ClinVar's aggregate classification.

GeneReviews
No classification provided. Condition: Aplastic anemia. Review status: no classification provided. Collection method: literature only. Allele origin: unknown. Not counted in ClinVar's aggregate classification.

Literature cited by the submitters: PubMed 15814878 (cited by Labcorp Genetics (formerly Invitae), Labcorp and OMIM); PubMed 23901009 (cited by Labcorp Genetics (formerly Invitae), Labcorp); PubMed 20301779 (cited by GeneReviews); NCBI Bookshelf NBK22301 (cited by GeneReviews).

NM_198253.3(TERT):c.2315A>G (p.Tyr772Cys)

Gene: TERT (telomerase reverse transcriptase; minus strand). Cytogenetic location: 5p15.33.
Variant type: single nucleotide variant.
Coding change: c.2315A>G on transcript NM_198253.3 (MANE Select); coding-DNA position 2315, A replaced by G.
Protein change: p.Tyr772Cys; replaces tyrosine 772 with cysteine.
Molecular consequence: missense variant.
Genome position (GRCh38, 1-based): chr5:1,272,252, T>C on the plus strand (A>G on the coding strand, the complement: TERT is on the minus strand). VCF-style: chr5-1272252-T-C. GRCh37 (hg19) VCF-style: chr5-1272367-T-C.
Other names: c.2315A>G, p.Tyr772Cys (NM_001193376.3); short protein forms Y772C.
Identifiers: ClinVar variation 12732 (VCV000012732.6), dbSNP rs121918663, ClinGen allele CA122659.